The following is an entry in ClinVar:

ClinVar aggregate classification (germline): Uncertain significance (1 of 4 stars; one submission).

Submission:

Labcorp Genetics (formerly Invitae), Labcorp
Classification: Uncertain significance. Last evaluated: 2024-10-07. Review status: criteria provided, single submitter. Criteria: Invitae Variant Classification Sherloc (09022015). Collection method: clinical testing. Allele origin: germline.
Comment: This variant, c.373_396dup, results in the insertion of 8 amino acid(s) of the THAP11 protein (p.Gln125_Gln132dup), but otherwise preserves the integrity of the reading frame. This variant is not present in population databases (gnomAD no frequency). This variant has not been reported in the literature in individuals affected with THAP11-related conditions. In summary, the available evidence is currently insufficient to determine the role of this variant in disease. Therefore, it has been classified as a Variant of Uncertain Significance.

NM_020457.3(THAP11):c.367CAG[18] (p.Gln132_Ser133insGlnGlnGlnGlnGlnGlnGlnGln)

Genes: CENPT (centromere protein T; minus strand), THAP11 (THAP domain containing 11; plus strand). Cytogenetic location: 16q22.1.
Variant type: Microsatellite.
Coding change: c.367CAG[18] on transcript NM_020457.3 (MANE Select); 18 copies in a row of the 3-base unit CAG starting at c.367; the reference has ten copies in a row; eight copies, 24 bases duplicated.
Protein change: p.Gln132_Ser133insGlnGlnGlnGlnGlnGlnGlnGln.
Molecular consequence: inframe insertion. On other transcripts: intron variant (1).
Genome position (GRCh38, 1-based): chr16:67,842,927-67,842,950, CAGCAGCAGCAGCAGCAGCAGCAG duplicated; duplicating any 24 consecutive bases within chr16:67,842,921-67,842,950 gives the same sequence; the position shown is the placement nearest the transcript's 3' end. VCF-style (leftmost placement, unchanged base first): chr16-67842920-A-ACAGCAGCAGCAGCAGCAGCAGCAG. GRCh37 (hg19) VCF-style: chr16-67876823-A-ACAGCAGCAGCAGCAGCAGCAGCAG.
Other names: c.-492+4451CTG[18] (NM_025082.4).
Identifiers: ClinVar variation 1979282 (VCV001979282.4), dbSNP rs377516180, ClinGen allele CA978447322.
Genomic context (GRCh38, chr16:67,842,920, plus strand): 5'-CAGGCAGCAGCAGCAACAGCAGCAGCAGCAGCAACAGCAGCAACAGCAGCAGCAGCAGCA[A>ACAGCAGCAGCAGCAGCAGCAGCAG]CAGCAGCAGCAGCAGCAGCAGCAGCAGCAGTCCTCACCCTCTGCCTCCACTGCCCAGACT-3'